The following is an entry in ClinVar:

NM_001942.4(DSG1):c.498A>G (p.Ile166Met)

Gene: DSG1 (desmoglein 1; plus strand). Cytogenetic location: 18q12.1.
Variant type: single nucleotide variant.
Coding change: c.498A>G on transcript NM_001942.4 (MANE Select); coding-DNA position 498, A replaced by G.
Protein change: p.Ile166Met; replaces isoleucine 166 with methionine.
Molecular consequence: missense variant.
Genome position (GRCh38, 1-based): chr18:31,330,017, A>G. VCF-style: chr18-31330017-A-G. GRCh37 (hg19) VCF-style: chr18-28909980-A-G.
Other names: short protein forms I166M.
Identifiers: ClinVar variation 3609932 (VCV003609932.2).

ClinVar aggregate classification (germline): Uncertain significance (1 of 4 stars; one submission).

Submission:

Labcorp Genetics (formerly Invitae), Labcorp
Classification: Uncertain significance. Last evaluated: 2025-10-23. Review status: criteria provided, single submitter. Criteria: Invitae Variant Classification Sherloc (09022015). Collection method: clinical testing. Allele origin: germline.
Comment: This sequence change replaces isoleucine, which is neutral and non-polar, with methionine, which is neutral and non-polar, at codon 166 of the DSG1 protein (p.Ile166Met). This variant is present in population databases (rs765574434, gnomAD 0.04%). This variant has not been reported in the literature in individuals affected with DSG1-related conditions. ClinVar contains an entry for this variant (Variation ID: 3609932). Invitae Evidence Modeling of protein sequence and biophysical properties (such as structural, functional, and spatial information, amino acid conservation, physicochemical variation, residue mobility, and thermodynamic stability) indicates that this missense variant is not expected to disrupt DSG1 protein function with a negative predictive value of 80%. In summary, the available evidence is currently insufficient to determine the role of this variant in disease. Therefore, it has been classified as a Variant of Uncertain Significance.